The following is an entry in ClinVar:

ClinVar aggregate classification (germline): Uncertain significance. Review status: criteria provided, multiple submitters, no conflicts (2 of 4 stars). 2 submissions from 2 submitters: Uncertain significance (2). Last evaluated 2024-01-17.

Conditions:
Cardiovascular phenotype. Identifiers: MedGen CN230736.

Allele frequency attached by ClinVar (database versions not stated): gnomAD exomes 0.00003 and 0.00001; ExAC 0.00002; gnomAD 0.00002; TOPMed 0.00002.

Submissions (2):

Ambry Genetics
Classification: Uncertain significance for Cardiovascular phenotype. Last evaluated: 2024-01-17. Review status: criteria provided, single submitter. Criteria: Ambry Variant Classification Scheme 2023. Collection method: clinical testing. Allele origin: germline.
Comment: The p.S129T variant (also known as c.385T>A), located in coding exon 4 of the ABCG8 gene, results from a T to A substitution at nucleotide position 385. The serine at codon 129 is replaced by threonine, an amino acid with similar properties. This amino acid position is conserved. In addition, this alteration is predicted to be tolerated by in silico analysis. Based on the available evidence, the clinical significance of this alteration remains unclear.

Eurofins Ntd Llc (ga)
Classification: Uncertain significance. Last evaluated: 2018-03-20. Review status: criteria provided, single submitter. Criteria: EGL ClinVar v180209 classification definitions. Collection method: clinical testing. Allele origin: germline. Observed: 2 variant alleles, 2 heterozygotes.

NM_022437.3(ABCG8):c.385T>A (p.Ser129Thr)

Gene: ABCG8 (ATP binding cassette subfamily G member 8; plus strand). Cytogenetic location: 2p21.
Variant type: single nucleotide variant.
Coding change: c.385T>A on transcript NM_022437.3 (MANE Select); coding-DNA position 385, T replaced by A.
Protein change: p.Ser129Thr; replaces serine 129 with threonine.
Molecular consequence: missense variant.
Genome position (GRCh38, 1-based): chr2:43,851,646, T>A. VCF-style: chr2-43851646-T-A. GRCh37 (hg19) VCF-style: chr2-44078785-T-A.
Other names: c.385T>A, p.Ser129Thr (NM_001357321.2); c.385T>A (NM_022437.2); short protein forms S129T.
Identifiers: ClinVar variation 596556 (VCV000596556.6), dbSNP rs752367556, ClinGen allele CA1637004.